The following is an entry in ClinVar:

ClinVar aggregate classification (germline): Uncertain significance (1 of 4 stars; one submission).

Conditions:
CNTNAP5-related disorder. Also called: CNTNAP5-related condition.

Submission:

PreventionGenetics, part of Exact Sciences
Classification: Uncertain significance for CNTNAP5-related condition. Last evaluated: 2025-02-13. Review status: criteria provided, single submitter. Criteria: ACMG Guidelines, 2015. Collection method: clinical testing. Allele origin: germline.
Comment: The CNTNAP5 c.2440G>A variant is predicted to result in the amino acid substitution p.Asp814Asn. To our knowledge, this variant has not been reported in the literature or in a large population database (gnomAD), indicating this variant is rare. At this time, the clinical significance of this variant is uncertain due to the absence of conclusive functional and genetic evidence.

NM_001367498.1(CNTNAP5):c.2443G>A (p.Asp815Asn)

Gene: CNTNAP5 (contactin associated protein family member 5; plus strand). Cytogenetic location: 2q14.3.
Variant type: single nucleotide variant.
Coding change: c.2443G>A on transcript NM_001367498.1 (MANE Select); coding-DNA position 2443, G replaced by A.
Protein change: p.Asp815Asn; replaces aspartic acid 815 with asparagine.
Molecular consequence: missense variant.
Genome position (GRCh38, 1-based): chr2:124,764,057, G>A. VCF-style: chr2-124764057-G-A. GRCh37 (hg19) VCF-style: chr2-125521634-G-A.
Other names: c.2440G>A, p.Asp814Asn (NM_130773.4); short protein forms D814N, D815N.
Identifiers: ClinVar variation 5000776 (VCV005000776.1).